The following is an entry in ClinVar:

ClinVar aggregate classification (germline): Benign/Likely benign. Review status: criteria provided, multiple submitters, no conflicts (2 of 4 stars). 3 submissions from 3 submitters: Benign (1); Likely benign (2). Last evaluated 2024-06-24.

Conditions:
Hereditary cancer-predisposing syndrome. Also called: Tumor predisposition; Hereditary neoplastic syndrome; Neoplastic Syndromes, Hereditary; Hereditary Cancer Syndrome. Identifiers: Orphanet 140162, MedGen C0027672, MeSH D009386, MONDO:0015356.
Familial cancer of breast. Also called: Hereditary breast cancer; BREAST CANCER, FAMILIAL; hereditary breast carcinoma. Identifiers: Orphanet 227535, MedGen C0346153, MONDO:0016419, OMIM 114480. Disease mechanism: loss of function.
Ataxia-telangiectasia syndrome (AT). Also called: Ataxia-telangiectasia, complementation group D; AT, COMPLEMENTATION GROUP C; ATAXIA-TELANGIECTASIA, COMPLEMENTATION GROUP A; ATAXIA-TELANGIECTASIA, FRESNO VARIANT; Ataxia-telangiectasia; LOUIS-BAR SYNDROME. Identifiers: Orphanet 100, MedGen C0004135, MONDO:0008840, OMIM 208900.

Submissions (3):

Labcorp Genetics (formerly Invitae), Labcorp
Classification: Likely benign for Ataxia-telangiectasia syndrome. Last evaluated: 2024-06-24. Review status: criteria provided, single submitter. Criteria: Invitae Variant Classification Sherloc (09022015). Collection method: clinical testing. Allele origin: germline.

Myriad Genetics, Inc.
Classification: Benign for Familial cancer of breast. Last evaluated: 2024-06-18. Review status: criteria provided, single submitter. Criteria: Myriad Autosomal Dominant, Autosomal Recessive and X-Linked Classification Criteria (2023). Collection method: clinical testing. Allele origin: unknown.
Comment: This variant is considered benign. This variant is a silent/synonymous amino acid change and it is not expected to impact splicing.

Ambry Genetics
Classification: Likely benign for Hereditary cancer-predisposing syndrome. Last evaluated: 2019-08-24. Review status: criteria provided, single submitter. Criteria: Ambry Variant Classification Scheme 2023. Collection method: clinical testing. Allele origin: germline.

NM_000051.4(ATM):c.8244G>A (p.Arg2748=)

Genes: ATM (ATM serine/threonine kinase; plus strand), C11orf65 (chromosome 11 open reading frame 65; minus strand). Cytogenetic location: 11q22.3.
Variant type: single nucleotide variant.
Coding change: c.8244G>A on transcript NM_000051.4 (MANE Select); coding-DNA position 8244, G replaced by A.
Protein change: p.Arg2748=; no amino-acid change (arginine 2748 retained).
Molecular consequence: synonymous variant. On other transcripts: intron variant (2).
Genome position (GRCh38, 1-based): chr11:108,335,937, G>A. VCF-style: chr11-108335937-G-A. GRCh37 (hg19) VCF-style: chr11-108206664-G-A.
Other names: c.8244G>A, p.Arg2748= (NM_001351834.2); c.641-26866C>T (NM_001330368.2); c.695-645C>T (NM_001351110.2).
Identifiers: ClinVar variation 755489 (VCV000755489.16), dbSNP rs1591199166, ClinGen allele CA476678194.